The following is an entry in ClinVar:

ClinVar aggregate classification (germline): Uncertain significance (1 of 4 stars; one submission).

Conditions:
Inborn genetic diseases. Identifiers: MedGen C0950123, MeSH D030342.

Submission:

Ambry Genetics
Classification: Uncertain significance for Inborn genetic diseases. Last evaluated: 2025-05-15. Review status: criteria provided, single submitter. Criteria: Ambry Variant Classification Scheme 2023. Collection method: clinical testing. Allele origin: germline.
Comment: The p.E395A variant (also known as c.1184A>C), located in coding exon 10 of the FANCG gene, results from an A to C substitution at nucleotide position 1184. The glutamic acid at codon 395 is replaced by alanine, an amino acid with dissimilar properties. This amino acid position is conserved. In addition, this alteration is predicted to be tolerated by in silico analysis. Based on the available evidence, the clinical significance of this variant remains unclear.

NM_004629.2(FANCG):c.1184A>C (p.Glu395Ala)

Gene: FANCG (FA complementation group G; minus strand). Cytogenetic location: 9p13.3.
Variant type: single nucleotide variant.
Coding change: c.1184A>C on transcript NM_004629.2 (MANE Select); coding-DNA position 1184, A replaced by C.
Protein change: p.Glu395Ala; replaces glutamic acid 395 with alanine.
Molecular consequence: missense variant.
Genome position (GRCh38, 1-based): chr9:35,075,714, T>G on the plus strand (A>C on the coding strand, the complement: FANCG is on the minus strand). VCF-style: chr9-35075714-T-G. GRCh37 (hg19) VCF-style: chr9-35075711-T-G.
Other names: short protein forms E395A.
Identifiers: ClinVar variation 4022516 (VCV004022516.1).